The following is an entry in ClinVar:

NM_001365951.3(KIF1B):c.1123G>A (p.Glu375Lys)

Gene: KIF1B (kinesin family member 1B; plus strand). Cytogenetic location: 1p36.22.
Variant type: single nucleotide variant.
Coding change: c.1123G>A on transcript NM_001365951.3 (MANE Select); coding-DNA position 1123, G replaced by A.
Protein change: p.Glu375Lys; replaces glutamic acid 375 with lysine.
Molecular consequence: missense variant.
Genome position (GRCh38, 1-based): chr1:10,278,071, G>A. VCF-style: chr1-10278071-G-A. GRCh37 (hg19) VCF-style: chr1-10338129-G-A.
Other names: c.1123G>A, p.Glu375Lys (NM_001365952.1); c.1105G>A, p.Glu369Lys (NM_001365953.1, NM_015074.3, NM_183416.4); short protein forms E375K, E369K.
Identifiers: ClinVar variation 2625685 (VCV002625685.2), dbSNP rs1649210167, ClinGen allele CA338334358.

ClinVar aggregate classification (germline): Uncertain significance (1 of 4 stars; one submission).

Allele frequency attached by ClinVar (database versions not stated): gnomAD 0.00001.
gnomAD v4.1: 1 of 1,613,990 alleles (0.000062%); highest among the groups gnomAD compares: Admixed American, 0.0017%; no homozygotes.

Submission:

Ambry Genetics
Classification: Uncertain significance. Last evaluated: 2023-06-22. Review status: criteria provided, single submitter. Criteria: Ambry Variant Classification Scheme 2023. Collection method: clinical testing. Allele origin: germline.
Comment: The p.E369K variant (also known as c.1105G>A), located in coding exon 11 of the KIF1B gene, results from a G to A substitution at nucleotide position 1105. The glutamic acid at codon 369 is replaced by lysine, an amino acid with similar properties. This amino acid position is conserved. In addition, this alteration is predicted to be deleterious by in silico analysis. Since supporting evidence is limited at this time, the clinical significance of this alteration remains unclear.